The following is an entry in ClinVar:

ClinVar aggregate classification (germline): Uncertain significance (1 of 4 stars; one submission).

Conditions:
PLEC-related disorder. Also called: PLEC-related disorders; PLEC-related condition.

gnomAD v4.1: 6 of 1,590,892 alleles (0.00038%); highest among the groups gnomAD compares: South Asian, 0.0056%; no homozygotes.

Submission:

PreventionGenetics, part of Exact Sciences
Classification: Uncertain significance for PLEC-related condition. Last evaluated: 2026-08-11. Review status: criteria provided, single submitter. Criteria: ACMG Guidelines, 2015. Collection method: clinical testing. Allele origin: germline.
Comment: The PLEC c.7843G>T variant is predicted to result in the amino acid substitution p.Ala2615Ser. To our knowledge, this variant has not been reported in the literature. This variant is reported in 0.010% of alleles in individuals of South Asian descent in gnomAD. At this time, the clinical significance of this variant is uncertain due to the absence of conclusive functional and genetic evidence.

NM_201384.3(PLEC):c.7762G>T (p.Ala2588Ser)

Gene: PLEC (plectin; minus strand). Cytogenetic location: 8q24.3.
Variant type: single nucleotide variant.
Coding change: c.7762G>T on transcript NM_201384.3 (MANE Select); coding-DNA position 7762, G replaced by T.
Protein change: p.Ala2588Ser; replaces alanine 2588 with serine.
Molecular consequence: missense variant.
Genome position (GRCh38, 1-based): chr8:143,922,059, C>A on the plus strand (G>T on the coding strand, the complement: PLEC is on the minus strand). VCF-style: chr8-143922059-C-A. GRCh37 (hg19) VCF-style: chr8-144996227-C-A.
Other names: c.7843G>T, p.Ala2615Ser (NM_000445.5); c.4462G>T, p.Ala1488Ser (NM_001410941.1); c.7720G>T, p.Ala2574Ser (NM_201378.4); c.7696G>T, p.Ala2566Ser (NM_201379.3); c.8173G>T, p.Ala2725Ser (NM_201380.4); c.7666G>T, p.Ala2556Ser (NM_201381.3); c.7762G>T, p.Ala2588Ser (NM_201382.4); c.7774G>T, p.Ala2592Ser (NM_201383.3); short protein forms A2566S, A2574S, A1488S, A2592S, A2725S, A2556S, A2588S, A2615S.
Identifiers: ClinVar variation 4994820 (VCV004994820.1).
Genomic context (GRCh38, chr8:143,922,059, plus strand): 5'-CGGCCCGGTGCTGCTCCTCCAGGAGCTGCAGCTGCTCACGCAGCCTCTGGTTCTCCTCAG[C>A]CAGCAGCTCCTCCTGCTGCCGCCGCTGCTGCTCCAGCTGCTGCAGCTCCTCCTGCTTGCG-3'
Protein context (NP_958786.1, residues 2578-2598): QQRRQQEELL[Ala2588Ser]EENQRLREQL